The following is an entry in ClinVar:

ClinVar aggregate classification (germline): Pathogenic (1 of 4 stars; one submission).

Submission:

GeneDx
Classification: Pathogenic. Last evaluated: 2025-07-01. Review status: criteria provided, single submitter. Criteria: GeneDx Variant Classification Process June 2021. Collection method: clinical testing. Allele origin: germline. Affected: yes.
Comment: Frameshift variant predicted to result in protein truncation or nonsense mediated decay in a gene for which loss of function is a known mechanism of disease; Not observed at significant frequency in large population cohorts (gnomAD); This variant is associated with the following publications: (PMID: 23020595)

NM_000132.4(F8):c.3907_3911del (p.Thr1303fs)

Gene: F8 (coagulation factor VIII; minus strand). Cytogenetic location: Xq28.
Variant type: Deletion.
Coding change: c.3907_3911del on transcript NM_000132.4 (MANE Select); coding-DNA positions 3907 to 3911, 5 bases deleted (ACCAA; older notation c.3907_3911delACCAA).
Protein change: p.Thr1303fs; shifts the reading frame from threonine 1303.
Molecular consequence: frameshift variant.
Genome position (GRCh38, 1-based): chrX:154,929,879-154,929,883, TTGGT deleted on the plus strand (ACCAA on the coding strand, the reverse complement: F8 is on the minus strand); deleting any 5 consecutive bases within chrX:154,929,879-154,929,886 gives the same sequence; the c. name uses the placement nearest the transcript's 3' end. VCF-style (leftmost placement, unchanged base first): chrX-154929878-CTTGGT-C. GRCh37 (hg19) VCF-style: chrX-154158153-CTTGGT-C.
Other names: short protein forms T1303fs.
Identifiers: ClinVar variation 4681165 (VCV004681165.1).